The following is an entry in ClinVar:

ClinVar aggregate classification (germline): Uncertain significance (1 of 4 stars; one submission).

Conditions:
Cardiovascular phenotype. Identifiers: MedGen CN230736.

gnomAD v4.1: 1 of 1,608,780 alleles (0.000062%); highest among the groups gnomAD compares: Non-Finnish European, 0.000085%; no homozygotes.

Submission:

Ambry Genetics
Classification: Uncertain significance for Cardiovascular phenotype. Last evaluated: 2024-05-15. Review status: criteria provided, single submitter. Criteria: Ambry Variant Classification Scheme 2023. Collection method: clinical testing. Allele origin: germline.
Comment: The p.Q4965R variant (also known as c.14894A>G), located in coding exon 105 of the RYR2 gene, results from an A to G substitution at nucleotide position 14894. The glutamine at codon 4965 is replaced by arginine, an amino acid with highly similar properties. This amino acid position is highly conserved in available vertebrate species. In addition, this alteration is predicted to be deleterious by in silico analysis. Based on the available evidence, the clinical significance of this variant remains unclear.

NM_001035.3(RYR2):c.14894A>G (p.Gln4965Arg)

Gene: RYR2 (ryanodine receptor 2; plus strand). Cytogenetic location: 1q43.
Variant type: single nucleotide variant.
Coding change: c.14894A>G on transcript NM_001035.3 (MANE Select); coding-DNA position 14894, A replaced by G.
Protein change: p.Gln4965Arg; replaces glutamine 4965 with arginine.
Molecular consequence: missense variant.
Genome position (GRCh38, 1-based): chr1:237,832,637, A>G. VCF-style: chr1-237832637-A-G. GRCh37 (hg19) VCF-style: chr1-237995937-A-G.
Other names: short protein forms Q4965R.
Identifiers: ClinVar variation 3315893 (VCV003315893.1).